The following continues an entry in ClinVar:

NM_000059.4(BRCA2):c.3975_3978dup (p.Ala1327fs)

Gene: BRCA2. ClinVar aggregate classification (germline): Pathogenic. Pathogenic (1).

Submissions 24 to 34 of 34:

Women's Health and Genetics/Laboratory Corporation of America, LabCorp
Classification: Pathogenic for Hereditary breast and ovarian cancer syndrome. Last evaluated: 2020-07-27. Review status: criteria provided, single submitter. Criteria: LabCorp Variant Classification Summary - May 2015. Collection method: clinical testing. Allele origin: germline. Not counted in ClinVar's aggregate classification.
Comment: Variant summary: BRCA2 c.3975_3978dupTGCT (p.Ala1327CysfsX4) results in a premature termination codon, predicted to cause a truncation of the encoded protein or absence of the protein due to nonsense mediated decay, which are commonly known mechanisms for disease. Truncations downstream of this position have been classified as pathogenic by our laboratory. The variant was absent in 229858 control chromosomes (gnomAD). c.3975_3978dupTGCT has been reported in the literature in several individuals affected with Hereditary Breast and Ovarian Cancer Syndrome (e.g. Plaschke_2000, Pohlreich_2005, Brozek_2007, Spearman_2008, Borg_2010, Zhang_2011, Novakovic_2012, Krajc_2014, Rebbeck_2018). These data indicate that the variant is very likely to be associated with disease. To our knowledge, no experimental evidence demonstrating an impact on protein function has been reported. 11 other submitters, including an expert panel (ENIGMA), have provided clinical-significance assessments for this variant in ClinVar after 2014, and all of them classified the variant as pathogenic. Based on the evidence outlined above, the variant was classified as pathogenic.

Department of Molecular Diagnostics, Institute of Oncology Ljubljana
Classification: Pathogenic for Breast-ovarian cancer, familial, susceptibility to, 1. Last evaluated: 2020-04-02. Review status: criteria provided, single submitter. Criteria: ACMG Guidelines, 2015. Collection method: clinical testing. Allele origin: germline. Affected: yes. Not counted in ClinVar's aggregate classification.

Human Genome Sequencing Center Clinical Lab, Baylor College of Medicine
Classification: Pathogenic for Breast-ovarian cancer, familial, susceptibility to, 2. Last evaluated: 2017-04-03. Review status: criteria provided, single submitter. Criteria: ACMG Guidelines, 2015. Collection method: clinical testing. Allele origin: germline. Not counted in ClinVar's aggregate classification.
Comment: This c.3975_3978dup (p.Ala1327Cysfs*4) has previously been reported in at least two patients from two cohorts of 134 and 40 patients respectively [PMID 25366421, 10978364, reported as 4206insTGCT in the latter]. The c.3975_3978dup (p.Ala1327Cysfs*4) variant has been observed in one European (Non Finnish) individual at the heterozygous state in the ExAC database. This 4 bp duplication is located in exon 11, and leads to the creation of a frameshift and a premature stop codon at amino acid position 1330 of the BRCA2 protein. It is thus classified as pathogenic. This variant is also considered medically actionable [ACMG59, PMID 27854360].

Molecular Genetics Laboratory, University of Michigan
Classification: Pathogenic for Breast-ovarian cancer, familial, susceptibility to, 2. Last evaluated: 2016-04-21. Review status: criteria provided, single submitter. Criteria: ACMG Guidelines, 2015. Collection method: clinical testing. Allele origin: germline. Affected: yes. Not counted in ClinVar's aggregate classification.

Consortium of Investigators of Modifiers of BRCA1/2 (CIMBA), c/o University of Cambridge
Classification: Pathogenic for Breast-ovarian cancer, familial, susceptibility to, 2. Last evaluated: 2015-10-02. Review status: criteria provided, single submitter. Criteria: CIMBA Mutation Classification guidelines May 2016. Collection method: clinical testing. Allele origin: germline. Not counted in ClinVar's aggregate classification.

Clinical Genetics and Genomics, Karolinska University Hospital
Classification: Pathogenic. Last evaluated: 2014-10-10. Review status: criteria provided, single submitter. Criteria: ACMG Guidelines, 2015. Collection method: clinical testing. Allele origin: germline. Affected: yes. Observed: 6 variant alleles. Not counted in ClinVar's aggregate classification.

Institute of Genomics, University of Tartu
Classification: Pathogenic for Breast-ovarian cancer, familial, susceptibility to, 2. Review status: criteria provided, single submitter. Criteria: ACMG Guidelines, 2015. Collection method: research. Allele origin: germline. Affected: no. Observed: 1 variant allele. Not counted in ClinVar's aggregate classification.

BRCAlab, Lund University
Classification: Pathogenic for Breast-ovarian cancer, familial, susceptibility to, 2. Last evaluated: 2022-08-26. Review status: no assertion criteria provided. Collection method: clinical testing. Allele origin: germline. Affected: yes. Not counted in ClinVar's aggregate classification.

Research Molecular Genetics Laboratory, Women's College Hospital, University of Toronto
Classification: Pathogenic for Hereditary breast ovarian cancer syndrome. Last evaluated: 2014-01-31. Review status: no assertion criteria provided. Collection method: research. Allele origin: germline. Affected: yes. Study: The Canadian Open Genetics Repository (COGR). Not counted in ClinVar's aggregate classification.

Department of Pathology and Laboratory Medicine, Sinai Health System
Classification: Pathogenic for Breast-ovarian cancer, familial, susceptibility to, 2. Review status: no assertion criteria provided. Collection method: clinical testing. Allele origin: unknown. Affected: yes. Study: The Canadian Open Genetics Repository (COGR). Not counted in ClinVar's aggregate classification.
Comment: The BRCA2 p.Ala1327Cysfs*4 variant was identified in 12 of 3586 proband chromosomes (frequency: 0.003) from European (Slovenian, Czech and Polish) individuals or families with breast and ovarian cancer and male individuals with breast cancer; and was not identified in 80 control chromosomes from healthy individuals (Pohlreich 2005, Stegel 2011, Pritzaff 2016, Novakovic 2012, Ratajska 2015). The variant was also identified in dbSNP (ID: rs764689249) as â€šÃ„ÃºNAâ€šÃ„Ã¹, ClinVar (classified pathogenic, reviewed by an expert panel (2019); submitters: ENIGMA, Invitae, Ambry Genetics, GeneDx, and 8 other laboratories), and LOVD 3.0 (1x). The variant was not identified in UMD-LSDB (unavailable) or in the following control databases: the Exome Aggregation Consortium (August 8th 2016), or the Genome Aggregation Database (Feb 27, 2017). The c.3975_3978dup variant is predicted to cause a frameshift, which alters the protein's amino acid sequence beginning at codon 1327 and leads to a premature stop codon at position 1331. This alteration is then predicted to result in a truncated or absent protein and loss of function. Loss of function variants of the BRCA2 gene are an established mechanism of disease in hereditary breast and ovarian cancer and is the type of variant expected to cause the disorder. In summary, based on the above information this variant meets our laboratoryâ€šÃ„Ã´s criteria to be classified as pathogenic.

Medical Genetics, Medical University Pleven
Classification: Pathogenic for Breast-ovarian cancer, familial, susceptibility to, 2. Review status: no assertion criteria provided. Collection method: research. Allele origin: germline. Affected: yes. Not counted in ClinVar's aggregate classification.

Literature cited by the submitters: PubMed 20104584 (cited by 4 submitters); PubMed 10978364 (cited by 6 submitters); PubMed 16168118 (cited by 4 submitters); PubMed 22923021 (cited by 5 submitters); PubMed 25066507 (cited by 3 submitters); PubMed 25366421 (cited by 7 submitters); PubMed 29907814 (cited by 6 submitters); PubMed 21232165 (cited by 4 submitters); PubMed 31409081 (cited by 5 submitters); PubMed 39142283 (cited by OLLIN Analises Genomicas, OLLIN); PubMed 30613824 (cited by GeneKor MSA and Ambry Genetics); PubMed 17148771 (cited by 3 submitters); PubMed 17997147 (cited by 3 submitters); PubMed 18824701 (cited by 3 submitters); PubMed 21324516 (cited by 3 submitters); PubMed 23397983 (cited by 3 submitters); PubMed 25330149 (cited by Color Diagnostics, LLC DBA Color Health and All of Us Research Program, National Institutes of Health); PubMed 28008555 (cited by 3 submitters); PubMed 29161300 (cited by 4 submitters); PubMed 29446198 (cited by 5 submitters); PubMed 30441849 (cited by 3 submitters); PubMed 31853058 (cited by Color Diagnostics, LLC DBA Color Health); PubMed 33471991 (cited by 3 submitters); PubMed 33891299 (cited by 4 submitters); PubMed 34949660 (cited by Color Diagnostics, LLC DBA Color Health); PubMed 27989354 (cited by 3 submitters); PubMed 29625052 (cited by Ambry Genetics and Laboratory for Molecular Medicine, Mass General Brigham Personalized Medicine); PubMed 29945567 (cited by Ambry Genetics and Laboratory for Molecular Medicine, Mass General Brigham Personalized Medicine); PubMed 31159747 (cited by 3 submitters); PubMed 32321997 (cited by Ambry Genetics); PubMed 34445631 (cited by Ambry Genetics); PubMed 1 (cited by Quest Diagnostics Nichols Institute San Juan Capistrano); PubMed 35382848 (cited by Quest Diagnostics Nichols Institute San Juan Capistrano); PubMed 36367610 (cited by Quest Diagnostics Nichols Institute San Juan Capistrano); PubMed 35980532 (cited by Quest Diagnostics Nichols Institute San Juan Capistrano); PubMed 32073954 (cited by Quest Diagnostics Nichols Institute San Juan Capistrano); PubMed 26295337 (cited by Quest Diagnostics Nichols Institute San Juan Capistrano); PubMed 30720243 (cited by Laboratory for Molecular Medicine, Mass General Brigham Personalized Medicine); PubMed 26689913 (cited by Laboratory for Molecular Medicine, Mass General Brigham Personalized Medicine); PubMed 31447099 (cited by Laboratory for Molecular Medicine, Mass General Brigham Personalized Medicine).